The following is an entry in ClinVar:

ClinVar aggregate classification (germline): Likely benign (1 of 4 stars; one submission).

Conditions:
Holoprosencephaly 9 (HPE9). Also called: HOLOPROSENCEPHALY WITH MICROPHTHALMIA AND FIRST BRANCHIAL ARCH ANOMALIES; PITUITARY ANOMALIES WITH HOLOPROSENCEPHALY-LIKE FEATURES. Identifiers: Orphanet 2162, MedGen C1835819, MONDO:0012563, OMIM 610829.

Allele frequency attached by ClinVar (database versions not stated): 1000 Genomes Project 0.00080; 1000 Genomes Project 30x 0.00094; gnomAD 0.00008 and 0.00010; TOPMed 0.00008.

Submission:

Illumina Laboratory Services, Illumina
Classification: Likely benign for Holoprosencephaly 9. Last evaluated: 2018-01-12. Review status: criteria provided, single submitter. Criteria: ICSL Variant Classification Criteria 13 December 2019. Collection method: clinical testing. Allele origin: germline.
Comment: This variant was observed in the ICSL laboratory as part of a predisposition screen in an ostensibly healthy population. It had not been previously curated by ICSL or reported in the Human Gene Mutation Database (HGMD: prior to June 1st, 2018), and was therefore a candidate for classification through an automated scoring system. Utilizing variant allele frequency, disease prevalence and penetrance estimates, and inheritance mode, an automated score was calculated to assess if this variant is too frequent to cause the disease. Based on the score and internal cut-off values, a variant classified as likely benign is not then subjected to further curation. The score for this variant resulted in a classification of likely benign for this disease.

NM_001374353.1(GLI2):c.*1029C>T

Gene: GLI2 (GLI family zinc finger 2; plus strand). Cytogenetic location: 2q14.2.
Variant type: single nucleotide variant.
Coding change: c.*1029C>T on transcript NM_001374353.1 (MANE Select); 1029 bases downstream of the stop codon, C replaced by T.
Molecular consequence: 3 prime UTR variant.
Genome position (GRCh38, 1-based): chr2:120,991,704, C>T. VCF-style: chr2-120991704-C-T. GRCh37 (hg19) VCF-style: chr2-121749280-C-T.
Other names: c.*1029C>T (NM_001371271.1, NM_001374354.1, NM_005270.5).
Identifiers: ClinVar variation 331008 (VCV000331008.5), dbSNP rs182760827, ClinGen allele CA10612003.